The following is an entry in ClinVar:

NM_006393.3(NEBL):c.1391_1392delinsGG (p.Ala464Gly)

Gene: NEBL (nebulette; minus strand). Cytogenetic location: 10p12.31.
Variant type: Indel.
Coding change: c.1391_1392delinsGG on transcript NM_006393.3 (MANE Select); coding-DNA positions 1391 to 1392, CT replaced by GG.
Protein change: p.Ala464Gly; replaces alanine 464 with glycine.
Molecular consequence: missense variant. On other transcripts: intron variant (9).
Genome position (GRCh38, 1-based): chr10:20,835,570-20,835,571, AG replaced by CC on the plus strand (CT replaced by GG on the coding strand, the reverse complement: NEBL is on the minus strand). VCF-style: chr10-20835570-AG-CC. GRCh37 (hg19) VCF-style: chr10-21124499-AG-CC.
Other names: c.250-22631_250-22630delinsGG (NM_001377326.1, NM_001377327.1, NM_001377328.1); c.358-22631_358-22630delinsGG (NM_213569.2, NM_001173484.2, NM_001377322.1); c.301-22631_301-22630delinsGG (NM_001377324.1); c.292-22631_292-22630delinsGG (NM_001377325.1); c.310-22631_310-22630delinsGG (NM_001377323.1); short protein forms A464G.
Identifiers: ClinVar variation 1375609 (VCV001375609.6), dbSNP rs2130934659, ClinGen allele CA2573145027.

ClinVar aggregate classification (germline): Uncertain significance (1 of 4 stars; one submission).

Conditions:
Primary dilated cardiomyopathy (DCM). Also called: Dilated Cardiomyopathy. Identifiers: Orphanet 217604, MedGen C0007193, MeSH D002311, MONDO:0005021, HP:0001644. Inheritance: Various modes of inheritance.

Submission:

Labcorp Genetics (formerly Invitae), Labcorp
Classification: Uncertain significance for Primary dilated cardiomyopathy. Last evaluated: 2022-06-27. Review status: criteria provided, single submitter. Criteria: Invitae Variant Classification Sherloc (09022015). Collection method: clinical testing. Allele origin: germline.
Comment: This variant has not been reported in the literature in individuals affected with NEBL-related conditions. In summary, the available evidence is currently insufficient to determine the role of this variant in disease. Therefore, it has been classified as a Variant of Uncertain Significance. Algorithms developed to predict the effect of missense changes on protein structure and function are either unavailable or do not agree on the potential impact of this missense change (SIFT: "Not Available"; PolyPhen-2: "Benign"; Align-GVGD: "Not Available"). Information on the frequency of this variant in the gnomAD database is not available, as this variant may be reported differently in the database. This sequence change replaces alanine with glycine at codon 464 of the NEBL protein (p.Ala464Gly). The alanine residue is weakly conserved and there is a small physicochemical difference between alanine and glycine.